The following is an entry in ClinVar:

NM_001378454.1(ALMS1):c.9016C>T (p.His3006Tyr)

Gene: ALMS1 (ALMS1 centrosome and basal body associated protein; plus strand). Cytogenetic location: 2p13.1.
Variant type: single nucleotide variant.
Coding change: c.9016C>T on transcript NM_001378454.1 (MANE Select); coding-DNA position 9016, C replaced by T.
Protein change: p.His3006Tyr; replaces histidine 3006 with tyrosine.
Molecular consequence: missense variant.
Genome position (GRCh38, 1-based): chr2:73,490,975, C>T. VCF-style: chr2-73490975-C-T. GRCh37 (hg19) VCF-style: chr2-73718102-C-T.
Other names: c.9019C>T, p.His3007Tyr (NM_015120.4); short protein forms H3007Y, H3006Y.
Identifiers: ClinVar variation 459893 (VCV000459893.11), dbSNP rs779131632, ClinGen allele CA1714584.
Genomic context (GRCh38, chr2:73,490,975, plus strand): 5'-CCCCTTCCTCAAGGTCAGGATTGTGTAGTGGAAAAGAATAATCAACATAAGCCTAAATCA[C>T]ACATTTCTAATATAAATGTTGAAGCCAAGTTCAATACTGTGGTCTCCCAGTCAGCCCCAA-3'
Protein context (NP_001365383.1, residues 2996-3016): EKNNQHKPKS[His3006Tyr]ISNINVEAKF

ClinVar aggregate classification (germline): Conflicting classifications of pathogenicity. Review status: criteria provided, conflicting classifications (1 of 4 stars). 3 submissions from 3 submitters: Uncertain significance (2); Likely benign (1). Last evaluated 2025-07-30.

Conditions:
Cardiovascular phenotype. Identifiers: MedGen CN230736.
Alstrom syndrome (ALMS). Identifiers: Orphanet 64, MedGen C0268425, MONDO:0008763, OMIM 203800.

Allele frequency attached by ClinVar (database versions not stated): gnomAD exomes below 0.00001; TOPMed below 0.00001; ExAC 0.00001.

Submissions (3):

Ambry Genetics
Classification: Likely benign for Cardiovascular phenotype. Last evaluated: 2025-07-30. Review status: criteria provided, single submitter. Criteria: Ambry Variant Classification Scheme 2023. Collection method: clinical testing. Allele origin: germline.

Labcorp Genetics (formerly Invitae), Labcorp
Classification: Uncertain significance for Alstrom syndrome. Last evaluated: 2022-03-13. Review status: criteria provided, single submitter. Criteria: Invitae Variant Classification Sherloc (09022015). Collection method: clinical testing. Allele origin: germline.
Comment: This sequence change replaces histidine, which is basic and polar, with tyrosine, which is neutral and polar, at codon 3007 of the ALMS1 protein (p.His3007Tyr). This variant is present in population databases (rs779131632, gnomAD 0.007%). This variant has not been reported in the literature in individuals affected with ALMS1-related conditions. ClinVar contains an entry for this variant (Variation ID: 459893). Algorithms developed to predict the effect of missense changes on protein structure and function output the following: SIFT: "Not Available"; PolyPhen-2: "Not Available"; Align-GVGD: "Not Available". The tyrosine amino acid residue is found in multiple mammalian species, which suggests that this missense change does not adversely affect protein function. In summary, the available evidence is currently insufficient to determine the role of this variant in disease. Therefore, it has been classified as a Variant of Uncertain Significance.

Fulgent Genetics
Classification: Uncertain significance for Alstrom syndrome. Last evaluated: 2022-03-12. Review status: criteria provided, single submitter. Criteria: ACMG Guidelines, 2015. Collection method: clinical testing. Allele origin: unknown.